The following is an entry in ClinVar:

NM_032638.5(GATA2):c.961C>T (p.Leu321Phe)

Gene: GATA2 (GATA binding protein 2; minus strand). Cytogenetic location: 3q21.3.
Variant type: single nucleotide variant.
Coding change: c.961C>T on transcript NM_032638.5 (MANE Select); coding-DNA position 961, C replaced by T.
Protein change: p.Leu321Phe; replaces leucine 321 with phenylalanine.
Molecular consequence: missense variant.
Genome position (GRCh38, 1-based): chr3:128,483,916, G>A on the plus strand (C>T on the coding strand, the complement: GATA2 is on the minus strand). VCF-style: chr3-128483916-G-A. GRCh37 (hg19) VCF-style: chr3-128202759-G-A.
Other names: c.961C>T, p.Leu321Phe (NM_001145661.2, NM_001145662.1); short protein forms L321F.
Identifiers: ClinVar variation 3753911 (VCV003753911.2).

ClinVar aggregate classification (germline): Uncertain significance (1 of 4 stars; one submission).

Conditions:
Deafness-lymphedema-leukemia syndrome. Also called: Lymphedema, primary, with myelodysplasia; Emberger syndrome. Identifiers: Orphanet 3226, MedGen C3279664, MONDO:0013540, OMIM 614038.
Monocytopenia with susceptibility to infections. Also called: MONOCYTOPENIA AND MYCOBACTERIAL INFECTION SYNDROME; MONOCYTOPENIA WITH SUSCEPTIBILITY TO MYCOBACTERIAL, FUNGAL, AND PAPILLOMAVIRUS INFECTIONS AND MYELODYSPLASIA; COMBINED IMMUNODEFICIENCY WITH SUSCEPTIBILITY TO MYCOBACTERIAL, VIRAL, AND FUNGAL INFECTIONS; Dendritic cell, monocyte, B lymphocyte, and natural killer lymphocyte deficiency; IMMUNODEFICIENCY 21; GATA2 DEFICIENCY. Identifiers: Orphanet 228423, MedGen C3280030, MONDO:0013607, OMIM 614172.

Submission:

Labcorp Genetics (formerly Invitae), Labcorp
Classification: Uncertain significance for Monocytopenia with susceptibility to infections; Deafness-lymphedema-leukemia syndrome. Last evaluated: 2024-11-18. Review status: criteria provided, single submitter. Criteria: Invitae Variant Classification Sherloc (09022015). Collection method: clinical testing. Allele origin: germline.
Comment: This sequence change replaces leucine, which is neutral and non-polar, with phenylalanine, which is neutral and non-polar, at codon 321 of the GATA2 protein (p.Leu321Phe). This variant is not present in population databases (gnomAD no frequency). This missense change has been observed in individual(s) with GATA2-related conditions (PMID: 23560626, 31340620). Invitae Evidence Modeling of protein sequence and biophysical properties (such as structural, functional, and spatial information, amino acid conservation, physicochemical variation, residue mobility, and thermodynamic stability) indicates that this missense variant is expected to disrupt GATA2 protein function with a positive predictive value of 80%. Experimental studies have shown that this missense change affects GATA2 function (PMID: 22649106, 35181392). In summary, the available evidence is currently insufficient to determine the role of this variant in disease. Therefore, it has been classified as a Variant of Uncertain Significance.

Literature cited by the submitters: PubMed 23560626; PubMed 31340620; PubMed 22649106; PubMed 35181392.